The following is an entry in ClinVar:

ClinVar aggregate classification (germline): Uncertain significance. Review status: reviewed by expert panel (3 of 4 stars). 3 submissions from 3 submitters: Uncertain significance (1). 2 of the submissions do not count toward it. Last evaluated 2023-05-22.

Conditions:
Mitochondrial disease. Also called: Mitochondrial disorder; Mitochondrial disorders. Identifiers: Orphanet 68380, MedGen C0751651, MeSH D028361, MONDO:0044970.
MELAS syndrome (MELAS). Also called: Juvenile myopathy, encephalopathy, lactic acidosis, stroke. Identifiers: Orphanet 550, MedGen C0162671, MONDO:0010789, OMIM 540000.

Submissions (3):

ClinGen Mitochondrial Disease Nuclear and Mitochondrial  Variant Curation Expert Panel, ClinGen
Classification: Uncertain significance for Mitochondrial disease. Last evaluated: 2023-05-22. Review status: reviewed by expert panel. Criteria: McCormick et al. (Hum Mutat. 2020). Collection method: curation. Allele origin: germline. Inheritance: Mitochondrial inheritance.
Comment: The m.7471delC variant in MT-TS1 was reviewed by the Mitochondrial Disease Variant Curation Expert Panel on May 22, 2023. This variant has not been reported in the medical literature as causative in affected individuals or families with primary mitochondrial disease to our knowledge. This variant is present in population databases (Mitomap's 28/59,389 sequences: AF= 0.047%; Helix's 162/195,983 sequences: AF=0.070% including 137 homoplasmic occurrences in addition to 25 heteroplasmic occurrences, and in haplogroups H, U, T, K, B, D, M, HV, J, A, I, X, T, C, K, M, W, V; and gnomAD v3.1.2: AF=0.053 % including 30 homoplasmic occurrences in addition to five heteroplasmic occurrences). Given the frequency of this variant, it does not meet PM2 criterion. The computational predictor MitoTIP suggests this variant is benign (4.3 percentile) and HmtVAR does not provide a prediction. Given the lack of computational evidence, BP4 cannot be applied. There are no cybrids, single fiber studies, or other functional assays reported on this variant. In summary, this variant meets criteria to be classified as uncertain significance for primary mitochondrial disease inherited in a mitochondrial manner. We note that three experts on this panel felt likely benign was a more appropriate classification given the presence in the general population however the majority (four) agreed with uncertain significance. This classification was approved by the NICHD/NINDS U24 ClinGen Mitochondrial Disease Variant Curation Expert Panel on May 22, 2023. Mitochondrial DNA-specific ACMG/AMP criteria applied (PMID: 32906214): None.

Wong Mito Lab, Molecular and Human Genetics, Baylor College of Medicine
Classification: Benign for MELAS syndrome. Last evaluated: 2019-07-12. Review status: criteria provided, single submitter. Criteria: Modified ACMG Guidelines (Unpublished). Collection method: clinical testing. Allele origin: germline. Not counted in ClinVar's aggregate classification.
Comment: The NC_012920.1:m.7471delC variant in MT-TS1 gene is interpreted to be a Benign variant based on the modified ACMG guidelines (unpublished). This variant meets the following evidence codes reported in the guidelines: BS1, BS2, BP4

Laboratory for Molecular Medicine, Mass General Brigham Personalized Medicine
Classification: Uncertain significance. Last evaluated: 2011-03-03. Review status: criteria provided, single submitter. Criteria: LMM Criteria. Collection method: clinical testing. Allele origin: germline. Observed: 1 variant allele. Not counted in ClinVar's aggregate classification.
Comment: The 7471delC variant in MTTS1 has not been reported in the literature nor previo usly identified by our laboratory. However, this deletion of a cytosine (C) nucl eotide occurs within a stretch of 6 cytosine nucleotides and a similar variant ( 7471_7472insC) resulting in an insertion of a cytosine in this same stretch of c ytosine residues has been previously reported in individuals with both nonsyndro mic and syndromic hearing loss (Tiranti 1995, Ensink 1998, Jaksch 1998, Verhoeve n 1999, Hutchin 2001). However, the 7471delC may have a different affect than th e 7471_7472insC variant on the MTTS1 gene. In summary, the clinical significance of this variant cannot be determined with certainty at this time.

Literature cited by the submitters: PubMed 31965079 (cited by Wong Mito Lab, Molecular and Human Genetics, Baylor College of Medicine); PubMed 7581383 (cited by Laboratory for Molecular Medicine, Mass General Brigham Personalized Medicine).

NC_012920.1(MT-TS1):m.7471del

Gene: MT-TS1 (mitochondrially encoded tRNA serine 1 (UCN); minus strand).
Variant type: Deletion.
Genome position: chrM-7465-AC-A.
Identifiers: ClinVar variation 42227 (VCV000042227.6), dbSNP rs111033319, ClinGen allele CA131012.